The following is an entry in ClinVar:

NM_001429.4(EP300):c.933G>A (p.Gln311=)

Gene: EP300 (EP300 lysine acetyltransferase; plus strand). Cytogenetic location: 22q13.2.
Variant type: single nucleotide variant.
Coding change: c.933G>A on transcript NM_001429.4 (MANE Select); coding-DNA position 933, G replaced by A.
Protein change: p.Gln311=; no amino-acid change (glutamine 311 retained).
Molecular consequence: synonymous variant.
Genome position (GRCh38, 1-based): chr22:41,127,513, G>A. VCF-style: chr22-41127513-G-A. GRCh37 (hg19) VCF-style: chr22-41523517-G-A.
Other names: c.933G>A, p.Gln311= (NM_001362843.2); c.933G>A (NM_001429.3).
Identifiers: ClinVar variation 3623892 (VCV003623892.3).

ClinVar aggregate classification (germline): Benign/Likely benign. Review status: criteria provided, multiple submitters, no conflicts (2 of 4 stars). 2 submissions from 2 submitters: Benign (1); Likely benign (1). Last evaluated 2025-03-31.

Conditions:
EP300-related disorder. Also called: EP300-related disorders; EP300-related condition.
Rubinstein-Taybi syndrome due to EP300 haploinsufficiency. Also called: EP300-Related Rubinstein-Taybi Syndrome; RUBINSTEIN-TAYBI SYNDROME 2. Identifiers: Orphanet 353284, Orphanet 783, MedGen C3150941, MONDO:0013364, OMIM 613684.

gnomAD v4.1: 6 of 1,614,062 alleles (0.00037%); highest among the groups gnomAD compares: East Asian, 0.0022%; no homozygotes.

Submissions (2):

PreventionGenetics, part of Exact Sciences
Classification: Likely benign for EP300-related condition. Last evaluated: 2025-03-31. Review status: criteria provided, single submitter. Criteria: ACMG Guidelines, 2015. Collection method: clinical testing. Allele origin: germline.
Comment: This variant is classified as likely benign based on ACMG/AMP sequence variant interpretation guidelines (Richards et al. 2015 PMID: 25741868, with internal and published modifications).

Labcorp Genetics (formerly Invitae), Labcorp
Classification: Benign for Rubinstein-Taybi syndrome due to EP300 haploinsufficiency. Last evaluated: 2024-07-27. Review status: criteria provided, single submitter. Criteria: Invitae Variant Classification Sherloc (09022015). Collection method: clinical testing. Allele origin: germline.